The following is an entry in ClinVar:

NM_000292.3(PHKA2):c.460C>T (p.Arg154Cys)

Gene: PHKA2 (phosphorylase kinase regulatory subunit alpha 2; minus strand). Cytogenetic location: Xp22.13.
Variant type: single nucleotide variant.
Coding change: c.460C>T on transcript NM_000292.3 (MANE Select); coding-DNA position 460, C replaced by T.
Protein change: p.Arg154Cys; replaces arginine 154 with cysteine.
Molecular consequence: missense variant.
Genome position (GRCh38, 1-based): chrX:18,948,821, G>A on the plus strand (C>T on the coding strand, the complement: PHKA2 is on the minus strand). VCF-style: chrX-18948821-G-A. GRCh37 (hg19) VCF-style: chrX-18966939-G-A.
Other names: short protein forms R154C.
Identifiers: ClinVar variation 2372985 (VCV002372985.25), dbSNP rs866325027, ClinGen allele CA327018845.

ClinVar aggregate classification (germline): Uncertain significance. Review status: criteria provided, multiple submitters, no conflicts (2 of 4 stars). 2 submissions from 2 submitters: Uncertain significance (2). Last evaluated 2023-11-01.

Conditions:
Inborn genetic diseases. Identifiers: MedGen C0950123, MeSH D030342.

Allele frequency attached by ClinVar (database versions not stated): gnomAD exomes 0.00001; TOPMed 0.00001.

Submissions (2):

CeGaT Center for Human Genetics Tuebingen
Classification: Uncertain significance. Last evaluated: 2023-11-01. Review status: criteria provided, single submitter. Criteria: CeGaT Center For Human Genetics Tuebingen Variant Classification Criteria Version 2. Collection method: clinical testing. Allele origin: germline. Affected: yes. Observed: 1 variant allele.
Comment: PHKA2: PM2, PP3

Ambry Genetics
Classification: Uncertain significance for Inborn genetic diseases. Last evaluated: 2021-09-01. Review status: criteria provided, single submitter. Criteria: Ambry Variant Classification Scheme 2023. Collection method: clinical testing. Allele origin: germline.